The following is an entry in ClinVar:

ClinVar aggregate classification (germline): Uncertain significance. Review status: criteria provided, multiple submitters, no conflicts (2 of 4 stars). 2 submissions from 2 submitters: Uncertain significance (2). Last evaluated 2024-12-22.

Conditions:
Dyskeratosis congenita. Identifiers: Orphanet 1775, MedGen C0265965, MONDO:0015780.
Idiopathic Pulmonary Fibrosis. Also called: Idiopathic fibrosing alveolitis, chronic form; idiopathic fibrosing alveolitis. Identifiers: Orphanet 2032, MedGen C1800706, MeSH D054990, MONDO:0800504.
Dyskeratosis congenita, autosomal dominant 2. Identifiers: MedGen C3151443, MONDO:0013521, OMIM 613989.

Allele frequency attached by ClinVar (database versions not stated): gnomAD exomes below 0.00001.
gnomAD v4.1: 1 of 1,583,730 alleles (0.000063%); highest among the groups gnomAD compares: Non-Finnish European, 0.000085%; no homozygotes.

Submissions (2):

Ambry Genetics
Classification: Uncertain significance for Dyskeratosis congenita. Last evaluated: 2024-12-22. Review status: criteria provided, single submitter. Criteria: Ambry Variant Classification Scheme 2023. Collection method: clinical testing. Allele origin: germline.
Comment: The p.R108S variant (also known as c.322C>A), located in coding exon 2 of the TERT gene, results from a C to A substitution at nucleotide position 322. The arginine at codon 108 is replaced by serine, an amino acid with dissimilar properties. This amino acid position is conserved. In addition, this alteration is predicted to be tolerated by in silico analysis. Based on the available evidence, the clinical significance of this variant remains unclear.

Labcorp Genetics (formerly Invitae), Labcorp
Classification: Uncertain significance for Dyskeratosis congenita, autosomal dominant 2; Idiopathic Pulmonary Fibrosis. Last evaluated: 2022-05-27. Review status: criteria provided, single submitter. Criteria: Invitae Variant Classification Sherloc (09022015). Collection method: clinical testing. Allele origin: germline.
Comment: This sequence change replaces arginine, which is basic and polar, with serine, which is neutral and polar, at codon 108 of the TERT protein (p.Arg108Ser). The frequency data for this variant in the population databases is considered unreliable, as metrics indicate poor data quality at this position in the gnomAD database. This variant has not been reported in the literature in individuals affected with TERT-related conditions. ClinVar contains an entry for this variant (Variation ID: 573481). Advanced modeling of protein sequence and biophysical properties (such as structural, functional, and spatial information, amino acid conservation, physicochemical variation, residue mobility, and thermodynamic stability) performed at Invitae indicates that this missense variant is not expected to disrupt TERT protein function. In summary, the available evidence is currently insufficient to determine the role of this variant in disease. Therefore, it has been classified as a Variant of Uncertain Significance.

NM_198253.3(TERT):c.322C>A (p.Arg108Ser)

Gene: TERT (telomerase reverse transcriptase; minus strand). Cytogenetic location: 5p15.33.
Variant type: single nucleotide variant.
Coding change: c.322C>A on transcript NM_198253.3 (MANE Select); coding-DNA position 322, C replaced by A.
Protein change: p.Arg108Ser; replaces arginine 108 with serine.
Molecular consequence: missense variant. On other transcripts: non-coding transcript variant (2).
Genome position (GRCh38, 1-based): chr5:1,294,564, G>T on the plus strand (C>A on the coding strand, the complement: TERT is on the minus strand). VCF-style: chr5-1294564-G-T. GRCh37 (hg19) VCF-style: chr5-1294679-G-T.
Other names: c.322C>A, p.Arg108Ser (NM_001193376.3); short protein forms R108S.
Identifiers: ClinVar variation 573481 (VCV000573481.9), dbSNP rs1478218565, ClinGen allele CA359058318.